The following is an entry in ClinVar:

NM_000642.3(AGL):c.634del (p.Cys212fs)

Gene: AGL (amylo-alpha-1,6-glucosidase and 4-alpha-glucanotransferase; plus strand). Cytogenetic location: 1p21.2.
Variant type: Deletion.
Coding change: c.634del on transcript NM_000642.3 (MANE Select); coding-DNA position 634, one base deleted (T; older notation c.634delT).
Protein change: p.Cys212fs; shifts the reading frame from cysteine 212.
Molecular consequence: frameshift variant.
Genome position (GRCh38, 1-based): chr1:99,864,559, T deleted; the last of 3 consecutive T bases (chr1:99,864,557-99,864,559); deleting any one gives the same sequence. VCF-style (leftmost placement, unchanged base first): chr1-99864556-AT-A. GRCh37 (hg19) VCF-style: chr1-100330112-AT-A.
Other names: c.634delT, p.Cys212Valfs (NM_001425326.1, NM_001425327.1, NM_000028.3 and 3 more transcripts); c.256delT, p.Cys86Valfs (NM_001425332.1); c.586delT, p.Cys196Valfs (NM_000646.3); short protein forms C196fs, C212fs.
Identifiers: ClinVar variation 968195 (VCV000968195.8), dbSNP rs1650343836, ClinGen allele CA1139656238.

ClinVar aggregate classification (germline): Pathogenic (1 of 4 stars; one submission).

Conditions:
Glycogen storage disease type III (GSD3). Also called: FORBES DISEASE; Cori disease. Identifiers: Orphanet 366, MedGen C0017922, MONDO:0009291, OMIM 232400.

Submission:

Labcorp Genetics (formerly Invitae), Labcorp
Classification: Pathogenic for Glycogen storage disease type III. Last evaluated: 2022-04-09. Review status: criteria provided, single submitter. Criteria: Invitae Variant Classification Sherloc (09022015). Collection method: clinical testing. Allele origin: germline.
Comment: For these reasons, this variant has been classified as Pathogenic. ClinVar contains an entry for this variant (Variation ID: 968195). This variant has not been reported in the literature in individuals affected with AGL-related conditions. This variant is not present in population databases (gnomAD no frequency). This sequence change creates a premature translational stop signal (p.Cys212Valfs*28) in the AGL gene. It is expected to result in an absent or disrupted protein product. Loss-of-function variants in AGL are known to be pathogenic (PMID: 19299494).

Literature cited by the submitters: PubMed 19299494.